The following is an entry in ClinVar:

NM_000071.3(CBS):c.1141T>C (p.Tyr381His)

Gene: CBS (cystathionine beta-synthase; minus strand). Cytogenetic location: 21q22.3.
Variant type: single nucleotide variant.
Coding change: c.1141T>C on transcript NM_000071.3 (MANE Select); coding-DNA position 1141, T replaced by C.
Protein change: p.Tyr381His; replaces tyrosine 381 with histidine.
Molecular consequence: missense variant.
Genome position (GRCh38, 1-based): chr21:43,060,445, A>G on the plus strand (T>C on the coding strand, the complement: CBS is on the minus strand). VCF-style: chr21-43060445-A-G. GRCh37 (hg19) VCF-style: chr21-44480555-A-G.
Other names: c.1141T>C, p.Tyr381His (NM_001178008.3, NM_001178009.3, NM_001320298.2); c.826T>C, p.Tyr276His (NM_001321072.1); short protein forms Y381H, Y276H.
Identifiers: ClinVar variation 1395889 (VCV001395889.4), dbSNP rs267606145, ClinGen allele CA410397947.
Genomic context (GRCh38, chr21:43,060,445, plus strand): 5'-GGGAAGGGTGGCAGGATGGAGAGGAGCAGGGACCTGGGAGGGAAGCCGTGTCTTACATGT[A>G]GTTCCGCACTGAGTCGGGCAGAATGACCACGCAGCGCTGGCCCTCCTGCAGCTCCTGCGC-3'
Protein context (NP_000062.1, residues 371-391): VVILPDSVRN[Tyr381His]MTKFLSDRWM

ClinVar aggregate classification (germline): Uncertain significance. Review status: criteria provided, multiple submitters, no conflicts (2 of 4 stars). 2 submissions from 2 submitters: Uncertain significance (2). Last evaluated 2024-01-17.

Conditions:
HYPERHOMOCYSTEINEMIA, THROMBOTIC, CBS-RELATED. Identifiers: MedGen C3150344, OMIM 236200.

Submissions (2):

Blueprint Genetics
Classification: Uncertain significance. Last evaluated: 2024-01-17. Review status: criteria provided, single submitter. Criteria: ACMG Guidelines, 2015. Collection method: clinical testing. Allele origin: germline.

Labcorp Genetics (formerly Invitae), Labcorp
Classification: Uncertain significance for HYPERHOMOCYSTEINEMIA, THROMBOTIC, CBS-RELATED. Last evaluated: 2021-11-30. Review status: criteria provided, single submitter. Criteria: Invitae Variant Classification Sherloc (09022015). Collection method: clinical testing. Allele origin: germline.
Comment: This sequence change replaces tyrosine, which is neutral and polar, with histidine, which is basic and polar, at codon 381 of the CBS protein (p.Tyr381His). This variant is not present in population databases (gnomAD no frequency). This variant has not been reported in the literature in individuals affected with CBS-related conditions. Algorithms developed to predict the effect of missense changes on protein structure and function are either unavailable or do not agree on the potential impact of this missense change (SIFT: "Deleterious"; PolyPhen-2: "Probably Damaging"; Align-GVGD: "Class C0"). In summary, the available evidence is currently insufficient to determine the role of this variant in disease. Therefore, it has been classified as a Variant of Uncertain Significance.